The following is an entry in ClinVar:

ClinVar aggregate classification (germline): Uncertain significance. Review status: criteria provided, multiple submitters, no conflicts (2 of 4 stars). 2 submissions from 2 submitters: Uncertain significance (2). Last evaluated 2025-07-09.

Conditions:
Hereditary cancer-predisposing syndrome. Also called: Neoplastic Syndromes, Hereditary; Hereditary Cancer Syndrome; Tumor predisposition; Hereditary neoplastic syndrome. Identifiers: Orphanet 140162, MedGen C0027672, MeSH D009386, MONDO:0015356.

Allele frequency attached by ClinVar (database versions not stated): TOPMed 0.00001.
gnomAD v4.1: 9 of 1,612,682 alleles (0.00056%); highest among the groups gnomAD compares: Non-Finnish European, 0.00076%; no homozygotes.

Submissions (2):

Ambry Genetics
Classification: Uncertain significance for Hereditary cancer-predisposing syndrome. Last evaluated: 2025-07-09. Review status: criteria provided, single submitter. Criteria: Ambry Variant Classification Scheme 2023. Collection method: clinical testing. Allele origin: germline.
Comment: The p.R2017L variant (also known as c.6050G>T), located in coding exon 44 of the POLE gene, results from a G to T substitution at nucleotide position 6050. The arginine at codon 2017 is replaced by leucine, an amino acid with dissimilar properties. This amino acid position is well conserved in available vertebrate species. In addition, this alteration is predicted to be tolerated by in silico analysis. Based on the available evidence, the clinical significance of this variant remains unclear.

Labcorp Genetics (formerly Invitae), Labcorp
Classification: Uncertain significance. Last evaluated: 2025-01-29. Review status: criteria provided, single submitter. Criteria: Invitae Variant Classification Sherloc (09022015). Collection method: clinical testing. Allele origin: germline.
Comment: This sequence change replaces arginine, which is basic and polar, with leucine, which is neutral and non-polar, at codon 2017 of the POLE protein (p.Arg2017Leu). This variant is present in population databases (rs144178150, gnomAD 0.002%). This variant has not been reported in the literature in individuals affected with POLE-related conditions. ClinVar contains an entry for this variant (Variation ID: 944651). Invitae Evidence Modeling of protein sequence and biophysical properties (such as structural, functional, and spatial information, amino acid conservation, physicochemical variation, residue mobility, and thermodynamic stability) indicates that this missense variant is not expected to disrupt POLE protein function with a negative predictive value of 80%. In summary, the available evidence is currently insufficient to determine the role of this variant in disease. Therefore, it has been classified as a Variant of Uncertain Significance.

NM_006231.4(POLE):c.6050G>T (p.Arg2017Leu)

Gene: POLE (DNA polymerase epsilon, catalytic subunit; minus strand). Cytogenetic location: 12q24.33.
Variant type: single nucleotide variant.
Coding change: c.6050G>T on transcript NM_006231.4 (MANE Select); coding-DNA position 6050, G replaced by T.
Protein change: p.Arg2017Leu; replaces arginine 2017 with leucine.
Molecular consequence: missense variant.
Genome position (GRCh38, 1-based): chr12:132,632,750, C>A on the plus strand (G>T on the coding strand, the complement: POLE is on the minus strand). VCF-style: chr12-132632750-C-A. GRCh37 (hg19) VCF-style: chr12-133209336-C-A.
Other names: c.6050G>T (NM_006231.2); short protein forms R2017L.
Identifiers: ClinVar variation 944651 (VCV000944651.10), dbSNP rs144178150, ClinGen allele CA6892297.